The following is an entry in ClinVar:

ClinVar aggregate classification (germline): Uncertain significance (1 of 4 stars; one submission).

gnomAD v4.1: 1 of 1,599,342 alleles (0.000063%); highest among the groups gnomAD compares: Non-Finnish European, 0.000086%; no homozygotes.

Submission:

Labcorp Genetics (formerly Invitae), Labcorp
Classification: Uncertain significance. Last evaluated: 2025-03-30. Review status: criteria provided, single submitter. Criteria: Invitae Variant Classification Sherloc (09022015). Collection method: clinical testing. Allele origin: germline.
Comment: This sequence change replaces proline, which is neutral and non-polar, with leucine, which is neutral and non-polar, at codon 843 of the COL11A1 protein (p.Pro843Leu). This variant is not present in population databases (gnomAD no frequency). This variant has not been reported in the literature in individuals affected with COL11A1-related conditions. Invitae Evidence Modeling of protein sequence and biophysical properties (such as structural, functional, and spatial information, amino acid conservation, physicochemical variation, residue mobility, and thermodynamic stability) indicates that this missense variant is not expected to disrupt COL11A1 protein function with a negative predictive value of 80%. In summary, the available evidence is currently insufficient to determine the role of this variant in disease. Therefore, it has been classified as a Variant of Uncertain Significance.

NM_001854.4(COL11A1):c.2528C>T (p.Pro843Leu)

Gene: COL11A1 (collagen type XI alpha 1 chain; minus strand). Cytogenetic location: 1p21.1.
Variant type: single nucleotide variant.
Coding change: c.2528C>T on transcript NM_001854.4 (MANE Select); coding-DNA position 2528, C replaced by T.
Protein change: p.Pro843Leu; replaces proline 843 with leucine.
Molecular consequence: missense variant. On other transcripts: non-coding transcript variant (1).
Genome position (GRCh38, 1-based): chr1:102,984,166, G>A on the plus strand (C>T on the coding strand, the complement: COL11A1 is on the minus strand). VCF-style: chr1-102984166-G-A. GRCh37 (hg19) VCF-style: chr1-103449722-G-A.
Other names: c.2411C>T, p.Pro804Leu (NM_001190709.2); c.2564C>T, p.Pro855Leu (NM_080629.3); c.2180C>T, p.Pro727Leu (NM_080630.4); short protein forms P727L, P855L, P804L, P843L.
Identifiers: ClinVar variation 4776929 (VCV004776929.1).